The following is an entry in ClinVar:

NM_007113.4(TCHH):c.3513C>G (p.Arg1171=)

Gene: TCHH (trichohyalin; minus strand). Cytogenetic location: 1q21.3.
Variant type: single nucleotide variant.
Coding change: c.3513C>G on transcript NM_007113.4 (MANE Select); coding-DNA position 3513, C replaced by G.
Protein change: p.Arg1171=; no amino-acid change (arginine 1171 retained).
Molecular consequence: synonymous variant.
Genome position (GRCh38, 1-based): chr1:152,109,704, G>C on the plus strand (C>G on the coding strand, the complement: TCHH is on the minus strand). VCF-style: chr1-152109704-G-C. GRCh37 (hg19) VCF-style: chr1-152082180-G-C.
Identifiers: ClinVar variation 4872044 (VCV004872044.2).

ClinVar aggregate classification (germline): Likely benign (1 of 4 stars; one submission).

Submission:

CeGaT Center for Human Genetics Tuebingen
Classification: Likely benign. Last evaluated: 2026-05-01. Review status: criteria provided, single submitter. Criteria: CeGaT Center For Human Genetics Tuebingen Variant Classification Criteria Version 2. Collection method: clinical testing. Allele origin: germline. Affected: yes. Observed: 1 variant allele.
Comment: TCHH: BP4, BP7